The following is an entry in ClinVar:

ClinVar aggregate classification (germline): Likely benign (0 of 4 stars; one submission).

Conditions:
ZNF462-related disorder. Also called: ZNF462 related disease; ZNF462-related condition.

Allele frequency attached by ClinVar (database versions not stated): 1000 Genomes Project 30x 0.00031; ExAC 0.00038; 1000 Genomes Project 0.00040; gnomAD 0.00061; TOPMed 0.00064; ESP Exome Variant Server 0.00085.
gnomAD v4.1: 451 of 1,614,160 alleles (0.028%); highest among the groups gnomAD compares: African/African-American, 0.14%; 1 homozygote.

Submission:

PreventionGenetics, part of Exact Sciences
Classification: Likely benign for ZNF462-related condition. Last evaluated: 2022-08-29. Review status: no assertion criteria provided. Collection method: clinical testing. Allele origin: germline.
Comment: This variant is classified as likely benign based on ACMG/AMP sequence variant interpretation guidelines (Richards et al. 2015 PMID: 25741868, with internal and published modifications).

NM_021224.6(ZNF462):c.2639A>G (p.Asn880Ser)

Gene: ZNF462 (zinc finger protein 462; plus strand). Cytogenetic location: 9q31.2.
Variant type: single nucleotide variant.
Coding change: c.2639A>G on transcript NM_021224.6 (MANE Select); coding-DNA position 2639, A replaced by G.
Protein change: p.Asn880Ser; replaces asparagine 880 with serine.
Molecular consequence: missense variant.
Genome position (GRCh38, 1-based): chr9:106,926,551, A>G. VCF-style: chr9-106926551-A-G. GRCh37 (hg19) VCF-style: chr9-109688832-A-G.
Other names: c.2639A>G, p.Asn880Ser (NM_001347997.2); short protein forms N880S.
Identifiers: ClinVar variation 3038304 (VCV003038304.2), dbSNP rs150561263, ClinGen allele CA5171515.